The following is an entry in ClinVar:

ClinVar aggregate classification (germline): Pathogenic/Likely pathogenic. Review status: criteria provided, multiple submitters, no conflicts (2 of 4 stars). 3 submissions from 3 submitters: Pathogenic (1); Likely pathogenic (2). Last evaluated 2024-04-26.

Conditions:
Cataract 41 (CTRCT41). Also called: CATARACT 41, CONGENITAL NUCLEAR TYPE. Identifiers: Orphanet 91492, Orphanet 98991, Orphanet 98992, Orphanet 98995, MedGen C3805412, MONDO:0007287, OMIM 116400.
Wolfram syndrome 1 (WFS1). Identifiers: Orphanet 3463, MedGen C4551693, MONDO:0009101, OMIM 222300.
Autosomal dominant nonsyndromic hearing loss 6 (LFSNHL). Also called: DEAFNESS, AUTOSOMAL DOMINANT 6; DEAFNESS, AUTOSOMAL DOMINANT 14; DEAFNESS, AUTOSOMAL DOMINANT 38; Autosomal dominant nonsyndromic deafness 6. Identifiers: Orphanet 90635, MedGen C1833021, MONDO:0010963, OMIM 600965.
Type 2 diabetes mellitus. Also called: Type II diabetes mellitus. Identifiers: MedGen C0011860, MeSH D003924, MONDO:0005148, OMIM 125853, HP:0005978.
Wolfram-like syndrome. Also called: HEARING LOSS, PROGRESSIVE, WITH OPTIC ATROPHY AND/OR IMPAIRED GLUCOSE REGULATION. Identifiers: Orphanet 411590, MedGen C3280358, MONDO:0013673, OMIM 614296.
WFS1-related disorder. Identifiers: MedGen CN379391, MONDO:0700293.

Allele frequency attached by ClinVar (database versions not stated): gnomAD exomes below 0.00001; gnomAD 0.00001.

Submissions (3):

Fulgent Genetics
Classification: Likely pathogenic for Cataract 41; Type 2 diabetes mellitus; Wolfram syndrome 1; Autosomal dominant nonsyndromic hearing loss 6; Wolfram-like syndrome. Last evaluated: 2024-04-26. Review status: criteria provided, single submitter. Criteria: ACMG Guidelines, 2015. Collection method: clinical testing. Allele origin: germline.

Labcorp Genetics (formerly Invitae), Labcorp
Classification: Pathogenic. Last evaluated: 2023-03-20. Review status: criteria provided, single submitter. Criteria: Invitae Variant Classification Sherloc (09022015). Collection method: clinical testing. Allele origin: germline.
Comment: This sequence change creates a premature translational stop signal (p.Arg772Leufs*5) in the WFS1 gene. While this is not anticipated to result in nonsense mediated decay, it is expected to disrupt the last 119 amino acid(s) of the WFS1 protein. This variant is present in population databases (no rsID available, gnomAD 0.03%). This premature translational stop signal has been observed in individual(s) with autosomal recessive Wolfram syndrome (PMID: 11694551). This variant disrupts a region of the WFS1 protein in which other variant(s) (p.Ala806Pro) have been determined to be pathogenic (PMID: 24890733; Invitae). This suggests that this is a clinically significant region of the protein, and that variants that disrupt it are likely to be disease-causing. For these reasons, this variant has been classified as Pathogenic.

Blueprint Genetics
Classification: Likely pathogenic for WFS1-related disorders. Last evaluated: 2022-01-08. Review status: criteria provided, single submitter. Criteria: ACMG Guidelines, 2015. Collection method: clinical testing. Allele origin: germline. Affected: yes. Observed: 1 variant allele.

Literature cited by the submitters: PubMed 11694551 (cited by Labcorp Genetics (formerly Invitae), Labcorp); PubMed 24890733 (cited by Labcorp Genetics (formerly Invitae), Labcorp).

NM_006005.3(WFS1):c.2314_2315insT (p.Arg772fs)

Gene: WFS1 (wolframin ER transmembrane glycoprotein; plus strand). Cytogenetic location: 4p16.1.
Variant type: Insertion.
Coding change: c.2314_2315insT on transcript NM_006005.3 (MANE Select); coding-DNA positions 2314 to 2315, T inserted.
Protein change: p.Arg772fs; shifts the reading frame from arginine 772.
Molecular consequence: frameshift variant.
Genome position: GRCh38 VCF-style: chr4-6302109-C-CT. GRCh37 (hg19) VCF-style: chr4-6303836-C-CT.
Other names: c.2314_2315insT, p.Arg772fs (NM_001145853.1); short protein forms R772fs.
Identifiers: ClinVar variation 2734648 (VCV002734648.5), dbSNP rs1560421457, ClinGen allele CA549707920.